The following is an entry in ClinVar:

ClinVar aggregate classification (germline): Likely benign. Review status: criteria provided, multiple submitters, no conflicts (2 of 4 stars). 2 submissions from 2 submitters: Likely benign (2). Last evaluated 2025-12-01.

Allele frequency attached by ClinVar (database versions not stated): gnomAD 0.00005; gnomAD exomes 0.00006; TOPMed 0.00006; ESP Exome Variant Server 0.00008; ExAC 0.00012.
gnomAD v4.1: 99 of 1,614,032 alleles (0.0061%); highest among the groups gnomAD compares: South Asian, 0.044%; no homozygotes.

Submissions (2):

CeGaT Center for Human Genetics Tuebingen
Classification: Likely benign. Last evaluated: 2025-12-01. Review status: criteria provided, single submitter. Criteria: CeGaT Center For Human Genetics Tuebingen Variant Classification Criteria Version 2. Collection method: clinical testing. Allele origin: germline. Affected: yes. Observed: 1 variant allele.
Comment: CAMTA1: BP4, BP7

Labcorp Genetics (formerly Invitae), Labcorp
Classification: Likely benign. Last evaluated: 2025-05-13. Review status: criteria provided, single submitter. Criteria: Invitae Variant Classification Sherloc (09022015). Collection method: clinical testing. Allele origin: germline.

NM_015215.4(CAMTA1):c.1092C>T (p.Ser364=)

Gene: CAMTA1 (calmodulin binding transcription activator 1; plus strand). Cytogenetic location: 1p36.23.
Variant type: single nucleotide variant.
Coding change: c.1092C>T on transcript NM_015215.4 (MANE Select); coding-DNA position 1092, C replaced by T.
Protein change: p.Ser364=; no amino-acid change (serine 364 retained).
Molecular consequence: synonymous variant.
Genome position (GRCh38, 1-based): chr1:7,663,639, C>T. VCF-style: chr1-7663639-C-T. GRCh37 (hg19) VCF-style: chr1-7723699-C-T.
Other names: c.1020C>T, p.Ser340= (NM_001410738.1); c.1002C>T, p.Ser334= (NM_001349608.2, NM_001349612.2); c.1092C>T, p.Ser364= (NM_001349609.2, NM_001349610.2, NM_001410737.1).
Identifiers: ClinVar variation 1903328 (VCV001903328.10), dbSNP rs370847468, ClinGen allele CA566365.